The following is an entry in ClinVar:

NM_000014.6(A2M):c.1078C>T (p.Arg360Ter)

Genes: A2M (alpha-2-macroglobulin; minus strand), KLRG1 (killer cell lectin like receptor G1; plus strand). Cytogenetic location: 12p13.31.
Variant type: single nucleotide variant.
Coding change: c.1078C>T on transcript NM_000014.6 (MANE Select); coding-DNA position 1078, C replaced by T.
Protein change: p.Arg360Ter; replaces arginine 360 with a stop codon.
Molecular consequence: nonsense.
Genome position (GRCh38, 1-based): chr12:9,106,262, G>A on the plus strand (C>T on the coding strand, the complement: A2M is on the minus strand). VCF-style: chr12-9106262-G-A. GRCh37 (hg19) VCF-style: chr12-9258858-G-A.
Other names: c.1078C>T, p.Arg360Ter (NM_001347423.2); c.778C>T, p.Arg260Ter (NM_001347424.2); c.628C>T, p.Arg210Ter (NM_001347425.2); short protein forms R210*, R260*, R360*.
Identifiers: ClinVar variation 3339138 (VCV003339138.1).

ClinVar aggregate classification (germline): Uncertain significance (1 of 4 stars; one submission).

gnomAD v4.1: 39 of 1,612,266 alleles (0.0024%); highest among the groups gnomAD compares: African/African-American, 0.0067%; no homozygotes.

Submission:

Women's Health and Genetics/Laboratory Corporation of America, LabCorp
Classification: Uncertain significance. Last evaluated: 2024-07-05. Review status: criteria provided, single submitter. Criteria: LabCorp Variant Classification Summary - May 2015. Collection method: clinical testing. Allele origin: germline.
Comment: Variant summary: A2M c.1078C>T (p.Arg360X) results in a premature termination codon, predicted to cause a truncation of the encoded protein or absence of the protein due to nonsense mediated decay, however the molecular mechanism of disease attributed to A2M gene is currently unknown. The variant allele was found at a frequency of 2.8e-05 in 249148 control chromosomes. The available data on variant occurrences in the general population are insufficient to allow any conclusion about variant significance. To our knowledge, no occurrence of c.1078C>T in individuals affected with A2M-Related Disorders and no experimental evidence demonstrating its impact on protein function have been reported. No submitters have cited clinical-significance assessments for this variant to ClinVar. Based on the evidence outlined above, the variant was classified as uncertain significance.